The following is an entry in ClinVar:

ClinVar aggregate classification (germline): Pathogenic/Likely pathogenic. Review status: criteria provided, multiple submitters, no conflicts (2 of 4 stars). 5 submissions from 5 submitters: Pathogenic (4); Likely pathogenic (1). Last evaluated 2025-06-20.

Conditions:
Lissencephaly due to TUBA1A mutation (CDCBM16). Also called: CORTICAL DYSPLASIA, COMPLEX, WITH OTHER BRAIN MALFORMATIONS 16; Lissencephaly 3. Identifiers: Orphanet 171680, MedGen C4305153, MONDO:0012703, OMIM 611603.
Tubulinopathy. Also called: Tubulinopathies. Identifiers: MedGen CN850169, MONDO:0100153.

Submissions (5):

Variantyx, Inc.
Classification: Pathogenic for Lissencephaly due to TUBA1A mutation. Last evaluated: 2025-06-20. Review status: criteria provided, single submitter. Criteria: Variantyx Assertion Criteria 2022. Collection method: clinical testing. Allele origin: de novo. Inheritance: Autosomal dominant inheritance. Affected: yes.
Comment: This is a nonsynonymous variant in the TUBA1A gene (OMIM: 602529). Pathogenic variants in this gene have been associated with autosomal dominant lissencephaly 3. This variant has been reported in at least one affected individual (PMID: 36403095) (PS4). Functional studies have shown that this variant alters TUBA1A protein function (PMID: 26493046) (PS3) and multiple computational algorithms predict a deleterious effect for this variant (REVEL score: 0.823) (PP3). This variant is absent from control populations (PM2). Based on the current evidence, this variant is classified as pathogenic for autosomal dominant lissencephaly 3.

Victorian Clinical Genetics Services, Murdoch Childrens Research Institute
Classification: Pathogenic for Lissencephaly due to TUBA1A mutation. Last evaluated: 2024-10-09. Review status: criteria provided, single submitter. Criteria: ACMG Guidelines, 2015. Collection method: clinical testing. Allele origin: germline. Inheritance: Autosomal dominant inheritance. Affected: yes.
Comment: Based on the classification scheme VCGS_Germline_v1.3.5, this variant is classified as Pathogenic. Following criteria are met: 0104 - Dominant negative is a known mechanism of disease in this gene and is associated with lissencephaly 3, resulting in defects in protein stability (MIM#61160; PMIDs: 20466733, 30517687). A phenotypic spectrum including congenital fibrosis of the extraocular muscles has also been described (PMID: 33649541). (I) 0107 - This gene is associated with autosomal dominant disease. (I) 0200 - Variant is predicted to result in a missense amino acid change from arginine to tryptophan. (I) 0251 - This variant is heterozygous. (I) 0301 - Variant is absent from gnomAD (v2, v3 and v4). (SP) 0309 - An alternative amino acid change at the same position has been observed in gnomAD (v4; 1 heterozygote, 0 homozygotes). (I) 0501 - Missense variant consistently predicted to be damaging by multiple in silico tools or highly conserved with a major amino acid change. (SP) 0603 - Missense variant in a region that is highly intolerant to missense variation (high constraint region in DECIPHER). (SP) 0704 - Another missense variant comparable to the one identified in this case has limited previous evidence for pathogenicity. p.(Arg64Gln) has been reported as likely pathogenic by a clinical laboratory (ClinVar). (SP) 0801 - This variant has strong previous evidence of pathogenicity in unrelated individuals. It has previously been observed in multiple unrelated, affected individuals including two de novo occurrences (PMIDs: 26493046, 36658419, 36403095, 32149430). In addition, it has also been reported as pathogenic by a clinical laboratory (ClinVar). (SP) Legend: (SP) - Supporting pathogenic, (I) - Information, (SB) - Supporting benign

Broad Center for Mendelian Genomics, Broad Institute of MIT and Harvard
Classification: Likely pathogenic for Lissencephaly due to TUBA1A mutation. Last evaluated: 2024-05-22. Review status: criteria provided, single submitter. Criteria: ACMG Guidelines, 2015. Collection method: curation. Allele origin: germline. Inheritance: Autosomal dominant inheritance.
Comment: The heterozygous p.Arg64Trp variant in TUBA1A was identified by our study in a family with lissencephaly 3. Trio exome analysis showed this variant to be de novo. The variant has also been reported de novo in one individual with confirmed paternity and maternity, and inherited from an unaffected father who was mosaic in another proband with lissencephaly (PMIDs: 26493046, 36658419). It was absent from large population studies. This variant has been reported in ClinVar (Variation ID: 420581) and has been interpreted as pathogenic by GeneDx and Institute of Human Genetics, FAU Erlangen. Computational prediction tools and conservation analyses suggest that this variant may impact the protein, though this information is not predictive enough to determine pathogenicity. The number of missense variants reported in TUBB2B in the general population is lower than expected, suggesting there is little benign variation in this gene and slightly increasing the possibility that a missense variant in this gene may not be tolerated. In summary, although additional studies are required to fully establish its clinical significance, this variant is likely pathogenic for autosomal dominant lissencephaly 3. ACMG/AMP Criteria applied: PS2_Moderate, PM2_Supporting, PP3_Moderate, PP2 (Richards 2015).

Institute of Human Genetics, FAU Erlangen, Friedrich-Alexander-Universität Erlangen-Nürnberg
Classification: Pathogenic for Tubulinopathies. Last evaluated: 2018-07-01. Review status: criteria provided, single submitter. Criteria: ACMG Guidelines, 2015. Collection method: literature only. Allele origin: de novo. Affected: yes. Observed: 1 variant allele.
Comment: The c.190C>T, p.(Arg64Trp) variant has been reported as a variant of de novo origin. This variant and associated phenotype was previously reported by Yokoi et al. Sci Rep, 2015 PMID: 26493046. Other (NA); Hypoplasia of the brainstem (HP:0002365); Cerebellar agenesis (HP:0012642); Dilation of lateral ventricles (HP:0006956); Congenital microcephaly (HP:0011451); Spasticity, muscular hypotonia (HP:0001257, HP:0001252); Focal seizures (HP:0007359); Optic nerve hypoplasia (HP:0000609)

GeneDx
Classification: Pathogenic. Last evaluated: 2017-02-21. Review status: criteria provided, single submitter. Criteria: GeneDx Variant Classification (06012015). Collection method: clinical testing. Allele origin: germline. Affected: yes.
Comment: The R64W variant in the TUBA1A gene has been reported previously as a de novo change in an individual with thin cerebral parenchyma, agenesis of the cerebellum and corpus callosum, hypoplastic brain stem, focal seizures, and spastic tetraplegia (Yokoi et al., 2015). Functional studies suggest that R64W impairs microtubule stability (Yokoi et al., 2015). The R64W variant is not observed in large population cohorts (Lek et al., 2016; 1000 Genomes Consortium et al., 2015; Exome Variant Server). The R64W variant is a non-conservative amino acid substitution, which is likely to impact secondary protein structure as these residues differ in polarity, charge, size and/or other properties. This substitution occurs at a position that is conserved across species, and in silico analysis predicts this variant is probably damaging to the protein structure/function.

Literature cited by the submitters: PubMed 36403095 (cited by Variantyx, Inc. and Victorian Clinical Genetics Services, Murdoch Childrens Research Institute); PubMed 26493046 (cited by Variantyx, Inc. and Victorian Clinical Genetics Services, Murdoch Childrens Research Institute); PubMed 20466733 (cited by Victorian Clinical Genetics Services, Murdoch Childrens Research Institute); PubMed 30517687 (cited by Victorian Clinical Genetics Services, Murdoch Childrens Research Institute); PubMed 32149430 (cited by Victorian Clinical Genetics Services, Murdoch Childrens Research Institute); PubMed 33649541 (cited by Victorian Clinical Genetics Services, Murdoch Childrens Research Institute); PubMed 36658419 (cited by Victorian Clinical Genetics Services, Murdoch Childrens Research Institute); PubMed 30744660 (cited by Institute of Human Genetics, FAU Erlangen, Friedrich-Alexander-Universität Erlangen-Nürnberg); DOI 10.1101/427948 (cited by Institute of Human Genetics, FAU Erlangen, Friedrich-Alexander-Universität Erlangen-Nürnberg).

NM_006009.4(TUBA1A):c.190C>T (p.Arg64Trp)

Gene: TUBA1A (tubulin alpha 1a; minus strand). Cytogenetic location: 12q13.12.
Variant type: single nucleotide variant.
Coding change: c.190C>T on transcript NM_006009.4 (MANE Select); coding-DNA position 190, C replaced by T.
Protein change: p.Arg64Trp; replaces arginine 64 with tryptophan.
Molecular consequence: missense variant.
Genome position (GRCh38, 1-based): chr12:49,186,647, G>A on the plus strand (C>T on the coding strand, the complement: TUBA1A is on the minus strand). VCF-style: chr12-49186647-G-A. GRCh37 (hg19) VCF-style: chr12-49580430-G-A.
Other names: NM_006009.4(TUBA1A):c.190C>T; p.Arg64Trp; c.190C>T, p.Arg64Trp (NM_001270399.2); c.85C>T, p.Arg29Trp (NM_001270400.2); short protein forms R64W, R29W.
Identifiers: ClinVar variation 420581 (VCV000420581.6), dbSNP rs1064794568, ClinGen allele CA16619551.